The following is an entry in ClinVar:

NM_052876.4(NACC1):c.1498G>A (p.Glu500Lys)

Gene: NACC1 (nucleus accumbens associated 1; plus strand). Cytogenetic location: 19p13.13.
Variant type: single nucleotide variant.
Coding change: c.1498G>A on transcript NM_052876.4 (MANE Select); coding-DNA position 1498, G replaced by A.
Protein change: p.Glu500Lys; replaces glutamic acid 500 with lysine.
Molecular consequence: missense variant.
Genome position (GRCh38, 1-based): chr19:13,138,320, G>A. VCF-style: chr19-13138320-G-A. GRCh37 (hg19) VCF-style: chr19-13249134-G-A.
Other names: short protein forms E500K.
Identifiers: ClinVar variation 3402492 (VCV003402492.2).

ClinVar aggregate classification (germline): Uncertain significance. Review status: criteria provided, multiple submitters, no conflicts (2 of 4 stars). 2 submissions from 2 submitters: Uncertain significance (2). Last evaluated 2025-02-19.

Conditions:
Inborn genetic diseases. Identifiers: MedGen C0950123, MeSH D030342.

Submissions (2):

Labcorp Genetics (formerly Invitae), Labcorp
Classification: Uncertain significance. Last evaluated: 2025-02-19. Review status: criteria provided, single submitter. Criteria: Invitae Variant Classification Sherloc (09022015). Collection method: clinical testing. Allele origin: germline.
Comment: This sequence change replaces glutamic acid, which is acidic and polar, with lysine, which is basic and polar, at codon 500 of the NACC1 protein (p.Glu500Lys). This variant is present in population databases (rs771359579, gnomAD 0.007%). This variant has not been reported in the literature in individuals affected with NACC1-related conditions. ClinVar contains an entry for this variant (Variation ID: 3402492). Invitae Evidence Modeling of protein sequence and biophysical properties (such as structural, functional, and spatial information, amino acid conservation, physicochemical variation, residue mobility, and thermodynamic stability) indicates that this missense variant is not expected to disrupt NACC1 protein function with a negative predictive value of 80%. In summary, the available evidence is currently insufficient to determine the role of this variant in disease. Therefore, it has been classified as a Variant of Uncertain Significance.

Ambry Genetics
Classification: Uncertain significance for Inborn genetic diseases. Last evaluated: 2024-07-16. Review status: criteria provided, single submitter. Criteria: Ambry Variant Classification Scheme 2023. Collection method: clinical testing. Allele origin: germline.